The following is an entry in ClinVar:

NM_001083962.2(TCF4):c.235C>G (p.His79Asp)

Genes: TCF4 (transcription factor 4; minus strand), TCF4-AS1 (TCF4 antisense RNA 1; plus strand). Cytogenetic location: 18q21.2.
Variant type: single nucleotide variant.
Coding change: c.235C>G on transcript NM_001083962.2 (MANE Select); coding-DNA position 235, C replaced by G.
Protein change: p.His79Asp; replaces histidine 79 with aspartic acid.
Molecular consequence: missense variant.
Genome position (GRCh38, 1-based): chr18:55,461,088, G>C on the plus strand (C>G on the coding strand, the complement: TCF4 is on the minus strand). VCF-style: chr18-55461088-G-C. GRCh37 (hg19) VCF-style: chr18-53128319-G-C.
Other names: c.541C>G, p.His181Asp (NM_001243226.3); c.163C>G, p.His55Asp (NM_001243227.2, NM_001306207.1, NM_001348217.1 and 15 more transcripts); c.235C>G, p.His79Asp (NM_001243228.2, NM_001330604.3, NM_001369567.1 and 8 more transcripts); c.229C>G, p.His77Asp (NM_001243230.2); c.109C>G, p.His37Asp (NM_001243231.2, NM_001348211.2); short protein forms H181D, H37D, H55D, H77D, H79D.
Identifiers: ClinVar variation 1331336 (VCV001331336.7), dbSNP rs957698131, ClinGen allele CA301164649.
Genomic context (GRCh38, chr18:55,461,088, plus strand): 5'-TGGAATTGACAAAAGGTGGAGAGAGATTGTCATGTGACCCAAGGTCCCTGCTGGTCATGT[G>C]GTCATAGGGAGTCCCATCTCCATAGTTCTGTAAATAAAATGACAGTGTAAGTTATTATTT-3'
Protein context (NP_001077431.1, residues 69-89): RNYGDGTPYD[His79Asp]MTSRDLGSHD

ClinVar aggregate classification (germline): Uncertain significance. Review status: criteria provided, multiple submitters, no conflicts (2 of 4 stars). 2 submissions from 2 submitters: Uncertain significance (2). Last evaluated 2025-07-07.

Conditions:
Pitt-Hopkins syndrome (PTHS). Also called: MENTAL RETARDATION, SYNDROMAL, WITH INTERMITTENT HYPERVENTILATION; ENCEPHALOPATHY, SEVERE EPILEPTIC, WITH AUTONOMIC DYSFUNCTION. Identifiers: Orphanet 2896, MedGen C1970431, MONDO:0012589, OMIM 610954.

Allele frequency attached by ClinVar (database versions not stated): TOPMed 0.00001.

Submissions (2):

Labcorp Genetics (formerly Invitae), Labcorp
Classification: Uncertain significance for Pitt-Hopkins syndrome. Last evaluated: 2025-07-07. Review status: criteria provided, single submitter. Criteria: Invitae Variant Classification Sherloc (09022015). Collection method: clinical testing. Allele origin: germline.
Comment: This sequence change replaces histidine, which is basic and polar, with aspartic acid, which is acidic and polar, at codon 79 of the TCF4 protein (p.His79Asp). This variant is not present in population databases (gnomAD no frequency). This variant has not been reported in the literature in individuals affected with TCF4-related conditions. ClinVar contains an entry for this variant (Variation ID: 1331336). Invitae Evidence Modeling of protein sequence and biophysical properties (such as structural, functional, and spatial information, amino acid conservation, physicochemical variation, residue mobility, and thermodynamic stability) indicates that this missense variant is not expected to disrupt TCF4 protein function with a negative predictive value of 95%. In summary, the available evidence is currently insufficient to determine the role of this variant in disease. Therefore, it has been classified as a Variant of Uncertain Significance.

GeneDx
Classification: Uncertain significance. Last evaluated: 2025-04-08. Review status: criteria provided, single submitter. Criteria: GeneDx Variant Classification Process June 2021. Collection method: clinical testing. Allele origin: germline. Affected: yes.
Comment: In silico analysis supports that this missense variant has a deleterious effect on protein structure/function; Has not been previously published as pathogenic or benign to our knowledge